The following is an entry in ClinVar:

ClinVar aggregate classification (germline): Uncertain significance (1 of 4 stars; one submission).

Conditions:
Cardiovascular phenotype. Identifiers: MedGen CN230736.

Submission:

Ambry Genetics
Classification: Uncertain significance for Cardiovascular phenotype. Last evaluated: 2022-06-12. Review status: criteria provided, single submitter. Criteria: Ambry Variant Classification Scheme 2023. Collection method: clinical testing. Allele origin: germline.
Comment: The p.A1845T variant (also known as c.5533G>A), located in coding exon 2 of the ZNF469 gene, results from a G to A substitution at nucleotide position 5533. The alanine at codon 1845 is replaced by threonine, an amino acid with similar properties. This amino acid position is conserved. In addition, this alteration is predicted to be tolerated by in silico analysis. Since supporting evidence is limited at this time, the clinical significance of this alteration remains unclear.

NM_001367624.2(ZNF469):c.5617G>A (p.Ala1873Thr)

Gene: ZNF469 (zinc finger protein 469; plus strand). Cytogenetic location: 16q24.2.
Variant type: single nucleotide variant.
Coding change: c.5617G>A on transcript NM_001367624.2 (MANE Select); coding-DNA position 5617, G replaced by A.
Protein change: p.Ala1873Thr; replaces alanine 1873 with threonine.
Molecular consequence: missense variant.
Genome position (GRCh38, 1-based): chr16:88,433,087, G>A. VCF-style: chr16-88433087-G-A. GRCh37 (hg19) VCF-style: chr16-88499495-G-A.
Other names: NM_001127464.1:c.5533G>A; short protein forms A1873T.
Identifiers: ClinVar variation 1748154 (VCV001748154.2), dbSNP rs1445500885, ClinGen allele CA397101661.